The following is an entry in ClinVar:

NM_001852.4(COL9A2):c.121C>G (p.Pro41Ala)

Genes: COL9A2 (collagen type IX alpha 2 chain; minus strand), LOC129930261 (ATAC-STARR-seq lymphoblastoid silent region 724; plus strand). Cytogenetic location: 1p34.2.
Variant type: single nucleotide variant.
Coding change: c.121C>G on transcript NM_001852.4 (MANE Select); coding-DNA position 121, C replaced by G.
Protein change: p.Pro41Ala; replaces proline 41 with alanine.
Molecular consequence: missense variant.
Genome position (GRCh38, 1-based): chr1:40,315,619, G>C on the plus strand (C>G on the coding strand, the complement: COL9A2 is on the minus strand). VCF-style: chr1-40315619-G-C. GRCh37 (hg19) VCF-style: chr1-40781291-G-C.
Other names: c.121C>G (NM_001852.3); short protein forms P41A.
Identifiers: ClinVar variation 1912255 (VCV001912255.8), dbSNP rs941343688, ClinGen allele CA21042441.

ClinVar aggregate classification (germline): Uncertain significance. Review status: criteria provided, multiple submitters, no conflicts (2 of 4 stars). 3 submissions from 3 submitters: Uncertain significance (3). Last evaluated 2026-04-01.

Conditions:
Inborn genetic diseases. Identifiers: MedGen C0950123, MeSH D030342.

Allele frequency attached by ClinVar (database versions not stated): TOPMed 0.00002; gnomAD 0.00003; gnomAD exomes 0.00005.
gnomAD v4.1: 68 of 1,553,248 alleles (0.0044%); highest among the groups gnomAD compares: Non-Finnish European, 0.0058%; no homozygotes.

Submissions (3):

CeGaT Center for Human Genetics Tuebingen
Classification: Uncertain significance. Last evaluated: 2026-04-01. Review status: criteria provided, single submitter. Criteria: CeGaT Center For Human Genetics Tuebingen Variant Classification Criteria Version 2. Collection method: clinical testing. Allele origin: germline. Affected: yes. Observed: 1 variant allele.

Labcorp Genetics (formerly Invitae), Labcorp
Classification: Uncertain significance. Last evaluated: 2025-10-11. Review status: criteria provided, single submitter. Criteria: Invitae Variant Classification Sherloc (09022015). Collection method: clinical testing. Allele origin: germline.
Comment: This sequence change replaces proline, which is neutral and non-polar, with alanine, which is neutral and non-polar, at codon 41 of the COL9A2 protein (p.Pro41Ala). The frequency data for this variant in the population databases is considered unreliable, as metrics indicate poor data quality at this position in the gnomAD database. This variant has not been reported in the literature in individuals affected with COL9A2-related conditions. ClinVar contains an entry for this variant (Variation ID: 1912255). Invitae Evidence Modeling of protein sequence and biophysical properties (such as structural, functional, and spatial information, amino acid conservation, physicochemical variation, residue mobility, and thermodynamic stability) indicates that this missense variant is not expected to disrupt COL9A2 protein function with a negative predictive value of 95%. In summary, the available evidence is currently insufficient to determine the role of this variant in disease. Therefore, it has been classified as a Variant of Uncertain Significance.

Ambry Genetics
Classification: Uncertain significance for Inborn genetic diseases. Last evaluated: 2025-04-24. Review status: criteria provided, single submitter. Criteria: Ambry Variant Classification Scheme 2023. Collection method: clinical testing. Allele origin: germline.